The following is an entry in ClinVar:

NM_002076.4(GNS):c.389A>G (p.Asn130Ser)

Gene: GNS (glucosamine (N-acetyl)-6-sulfatase; minus strand). Cytogenetic location: 12q14.3.
Variant type: single nucleotide variant.
Coding change: c.389A>G on transcript NM_002076.4 (MANE Select); coding-DNA position 389, A replaced by G.
Protein change: p.Asn130Ser; replaces asparagine 130 with serine.
Molecular consequence: missense variant.
Genome position (GRCh38, 1-based): chr12:64,747,782, T>C on the plus strand (A>G on the coding strand, the complement: GNS is on the minus strand). VCF-style: chr12-64747782-T-C. GRCh37 (hg19) VCF-style: chr12-65141562-T-C.
Other names: p.Asn130Ser; c.389A>G (NM_002076.3); short protein forms N130S.
Identifiers: ClinVar variation 2156439 (VCV002156439.3), dbSNP rs764724434, ClinGen allele CA6669958.
Genomic context (GRCh38, chr12:64,747,782, plus strand): 5'-TATTTCCCTGCAAAAAAGGTCTGATAACCACACATTGATCTGAGAATTGCTGGGAAAGTA[T>C]TTGGTTCTTGGATCTTCTGCCAGGACTTACTACTGCAGTTCCCCTCCAGAGTGTTGTTCA-3'
Protein context (NP_002067.1, residues 120-140): SKSWQKIQEP[Asn130Ser]TFPAILRSMC

ClinVar aggregate classification (germline): Uncertain significance. Review status: criteria provided, multiple submitters, no conflicts (2 of 4 stars). 3 submissions from 3 submitters: Uncertain significance (3). Last evaluated 2025-09-15.

Conditions:
Inborn genetic diseases. Identifiers: MedGen C0950123, MeSH D030342.
Mucopolysaccharidosis, MPS-III-D (MPS3D). Also called: N-ACETYLGLUCOSAMINE-6-SULFATASE DEFICIENCY; SANFILIPPO SYNDROME D; MPS III D; Mucopoly-saccharidosis type 3D; N-acetylglucosamine-6-sulfate sulfatase deficiency; MPS 3D. Identifiers: Orphanet 581, Orphanet 79272, MedGen C0086650, MONDO:0009658, OMIM 252940.

Allele frequency attached by ClinVar (database versions not stated): gnomAD 0.00001; ExAC 0.00002; TOPMed 0.00002; gnomAD exomes 0.00002.
gnomAD v4.1: 22 of 1,612,836 alleles (0.0014%); highest among the groups gnomAD compares: Non-Finnish European, 0.0018%; no homozygotes.

Submissions (3):

Mayo Clinic Laboratories, Mayo Clinic
Classification: Uncertain significance. Last evaluated: 2025-09-15. Review status: criteria provided, single submitter. Criteria: ACMG Guidelines, 2015. Collection method: clinical testing. Allele origin: germline. Observed: 1 variant allele.

Ambry Genetics
Classification: Uncertain significance for Inborn genetic diseases. Last evaluated: 2025-08-13. Review status: criteria provided, single submitter. Criteria: Ambry Variant Classification Scheme 2023. Collection method: clinical testing. Allele origin: germline.

Labcorp Genetics (formerly Invitae), Labcorp
Classification: Uncertain significance for Mucopolysaccharidosis, MPS-III-D. Last evaluated: 2022-05-09. Review status: criteria provided, single submitter. Criteria: Invitae Variant Classification Sherloc (09022015). Collection method: clinical testing. Allele origin: germline.
Comment: This sequence change replaces asparagine, which is neutral and polar, with serine, which is neutral and polar, at codon 130 of the GNS protein (p.Asn130Ser). This variant is present in population databases (rs764724434, gnomAD 0.004%). This variant has not been reported in the literature in individuals affected with GNS-related conditions. Algorithms developed to predict the effect of missense changes on protein structure and function output the following: SIFT: "Tolerated"; PolyPhen-2: "Benign"; Align-GVGD: "Class C0". The serine amino acid residue is found in multiple mammalian species, which suggests that this missense change does not adversely affect protein function. Algorithms developed to predict the effect of sequence changes on RNA splicing suggest that this variant may create or strengthen a splice site. In summary, the available evidence is currently insufficient to determine the role of this variant in disease. Therefore, it has been classified as a Variant of Uncertain Significance.